The following is an entry in ClinVar:

ClinVar aggregate classification (germline): Uncertain significance (1 of 4 stars; one submission).

Conditions:
Inborn genetic diseases. Identifiers: MedGen C0950123, MeSH D030342.

Submission:

Ambry Genetics
Classification: Uncertain significance for Inborn genetic diseases. Last evaluated: 2025-10-15. Review status: criteria provided, single submitter. Criteria: Ambry Variant Classification Scheme 2023. Collection method: clinical testing. Allele origin: germline.
Comment: The p.F261Y variant (also known as c.782T>A), located in coding exon 3 of the PIK3CA gene, results from a T to A substitution at nucleotide position 782. The phenylalanine at codon 261 is replaced by tyrosine, an amino acid with highly similar properties. This amino acid position is conserved. In addition, this alteration is predicted to be tolerated by in silico analysis. Based on the available evidence, the clinical significance of this variant remains unclear.

NM_006218.4(PIK3CA):c.782T>A (p.Phe261Tyr)

Gene: PIK3CA (phosphatidylinositol-4,5-bisphosphate 3-kinase catalytic subunit alpha; plus strand). Cytogenetic location: 3q26.32.
Variant type: single nucleotide variant.
Coding change: c.782T>A on transcript NM_006218.4 (MANE Select); coding-DNA position 782, T replaced by A.
Protein change: p.Phe261Tyr; replaces phenylalanine 261 with tyrosine.
Molecular consequence: missense variant.
Genome position (GRCh38, 1-based): chr3:179,201,509, T>A. VCF-style: chr3-179201509-T-A. GRCh37 (hg19) VCF-style: chr3-178919297-T-A.
Other names: short protein forms F261Y.
Identifiers: ClinVar variation 4627607 (VCV004627607.1).